The following is an entry in ClinVar:

NM_001171.6(ABCC6):c.2649C>T (p.Pro883=)

Gene: ABCC6 (ATP binding cassette subfamily C member 6; minus strand). Cytogenetic location: 16p13.11.
Variant type: single nucleotide variant.
Coding change: c.2649C>T on transcript NM_001171.6 (MANE Select); coding-DNA position 2649, C replaced by T.
Protein change: p.Pro883=; no amino-acid change (proline 883 retained).
Molecular consequence: synonymous variant. On other transcripts: non-coding transcript variant (1).
Genome position (GRCh38, 1-based): chr16:16,175,928, G>A on the plus strand (C>T on the coding strand, the complement: ABCC6 is on the minus strand). VCF-style: chr16-16175928-G-A. GRCh37 (hg19) VCF-style: chr16-16269785-G-A.
Other names: c.2307C>T, p.Pro769= (NM_001351800.1).
Identifiers: ClinVar variation 1694788 (VCV001694788.35), dbSNP rs373335815, ClinGen allele CA7925844.

ClinVar aggregate classification (germline): Likely benign. Review status: criteria provided, multiple submitters, no conflicts (2 of 4 stars). 3 submissions from 3 submitters: Likely benign (3). Last evaluated 2025-11-02.

Conditions:
Arterial calcification, generalized, of infancy, 2. Identifiers: Orphanet 51608, MedGen C3276161, MONDO:0013768, OMIM 614473.
Autosomal recessive inherited pseudoxanthoma elasticum (PXE). Identifiers: Orphanet 758, MedGen CN032334, MONDO:0009925, OMIM 264800.
Pseudoxanthoma elasticum, forme fruste. Also called: Pseudoxanthoma Elasticum, Incomplete; PSEUDOXANTHOMA ELASTICUM, HETEROZYGOUS. Identifiers: Orphanet 758, MedGen C1867450, MONDO:0008333, OMIM 177850.

Allele frequency attached by ClinVar (database versions not stated): gnomAD exomes 0.00001; TOPMed 0.00001; ExAC 0.00002; gnomAD 0.00002; ESP Exome Variant Server 0.00008.
gnomAD v4.1: 19 of 1,613,972 alleles (0.0012%); highest among the groups gnomAD compares: African/African-American, 0.0053%; no homozygotes.

Submissions (3):

Labcorp Genetics (formerly Invitae), Labcorp
Classification: Likely benign. Last evaluated: 2025-11-02. Review status: criteria provided, single submitter. Criteria: Invitae Variant Classification Sherloc (09022015). Collection method: clinical testing. Allele origin: germline.

CeGaT Center for Human Genetics Tuebingen
Classification: Likely benign. Last evaluated: 2023-07-01. Review status: criteria provided, single submitter. Criteria: CeGaT Center For Human Genetics Tuebingen Variant Classification Criteria Version 2. Collection method: clinical testing. Allele origin: germline. Affected: yes. Observed: 2 variant alleles.
Comment: ABCC6: BP4, BP7

Fulgent Genetics
Classification: Likely benign for Pseudoxanthoma elasticum, forme fruste; Autosomal recessive inherited pseudoxanthoma elasticum; Arterial calcification, generalized, of infancy, 2. Last evaluated: 2021-11-18. Review status: criteria provided, single submitter. Criteria: ACMG Guidelines, 2015. Collection method: clinical testing. Allele origin: unknown.